The following is an entry in ClinVar:

NM_000051.4(ATM):c.8419-22TA[2]

Genes: ATM (ATM serine/threonine kinase; plus strand), C11orf65 (chromosome 11 open reading frame 65; minus strand). Cytogenetic location: 11q22.3.
Variant type: Microsatellite.
Coding change: c.8419-22TA[2] on transcript NM_000051.4 (MANE Select); two copies in a row of the 2-base unit TA starting at c.8419-22.
Molecular consequence: intron variant.
Genome position: GRCh38 VCF-style: chr11-108345720-TTATA-T. GRCh37 (hg19) VCF-style: chr11-108216447-TTATA-T.
Other names: c.8419-22TA[2] (NM_001351834.2); c.641-36657TA[2] (NM_001330368.2); c.695-10436TA[2] (NM_001351110.2).
Identifiers: ClinVar variation 1440905 (VCV001440905.10), dbSNP rs1257766623, ClinGen allele CA671426260.

ClinVar aggregate classification (germline): Likely benign. Review status: criteria provided, multiple submitters, no conflicts (2 of 4 stars). 2 submissions from 2 submitters: Likely benign (2). Last evaluated 2025-04-14.

Conditions:
Ataxia-telangiectasia syndrome (AT). Also called: Ataxia-telangiectasia; LOUIS-BAR SYNDROME; Ataxia-telangiectasia, complementation group D; AT, COMPLEMENTATION GROUP C; ATAXIA-TELANGIECTASIA, COMPLEMENTATION GROUP A; ATAXIA-TELANGIECTASIA, FRESNO VARIANT. Identifiers: Orphanet 100, MedGen C0004135, MONDO:0008840, OMIM 208900.
Familial cancer of breast. Also called: BREAST CANCER, FAMILIAL; Hereditary breast cancer; hereditary breast carcinoma. Identifiers: Orphanet 227535, MedGen C0346153, MONDO:0016419, OMIM 114480. Disease mechanism: loss of function.

Submissions (2):

Labcorp Genetics (formerly Invitae), Labcorp
Classification: Likely benign for Ataxia-telangiectasia syndrome. Last evaluated: 2025-04-14. Review status: criteria provided, single submitter. Criteria: Invitae Variant Classification Sherloc (09022015). Collection method: clinical testing. Allele origin: germline.

Myriad Genetics, Inc.
Classification: Likely benign for Familial cancer of breast. Last evaluated: 2024-06-19. Review status: criteria provided, single submitter. Criteria: Myriad Autosomal Dominant, Autosomal Recessive and X-Linked Classification Criteria (2023). Collection method: clinical testing. Allele origin: unknown.
Comment: This variant is considered likely benign. This variant is intronic and is not expected to impact mRNA splicing.